The following is an entry in ClinVar:

ClinVar aggregate classification (germline): Uncertain significance (1 of 4 stars; one submission).

Submission:

Labcorp Genetics (formerly Invitae), Labcorp
Classification: Uncertain significance. Last evaluated: 2024-06-11. Review status: criteria provided, single submitter. Criteria: Invitae Variant Classification Sherloc (09022015). Collection method: clinical testing. Allele origin: germline.
Comment: This sequence change replaces arginine, which is basic and polar, with leucine, which is neutral and non-polar, at codon 713 of the KIF23 protein (p.Arg713Leu). This variant is present in population databases (rs370717019, gnomAD 0.01%). This variant has not been reported in the literature in individuals affected with KIF23-related conditions. An algorithm developed to predict the effect of missense changes on protein structure and function (PolyPhen-2) suggests that this variant is likely to be tolerated. In summary, the available evidence is currently insufficient to determine the role of this variant in disease. Therefore, it has been classified as a Variant of Uncertain Significance.

NM_001367805.3(KIF23):c.2180G>T (p.Arg727Leu)

Gene: KIF23 (kinesin family member 23; plus strand). Cytogenetic location: 15q23.
Variant type: single nucleotide variant.
Coding change: c.2180G>T on transcript NM_001367805.3 (MANE Select); coding-DNA position 2180, G replaced by T.
Protein change: p.Arg727Leu; replaces arginine 727 with leucine.
Molecular consequence: missense variant. On other transcripts: non-coding transcript variant (1), intron variant (1).
Genome position (GRCh38, 1-based): chr15:69,440,838, G>T. VCF-style: chr15-69440838-G-T. GRCh37 (hg19) VCF-style: chr15-69733177-G-T.
Other names: c.1808G>T, p.Arg603Leu (NM_001281301.2); c.2138G>T, p.Arg713Leu (NM_001367804.2, NM_138555.4); c.2067+351G>T (NM_004856.7); short protein forms R603L, R713L, R727L.
Identifiers: ClinVar variation 3621358 (VCV003621358.2).
Genomic context (GRCh38, chr15:69,440,838, plus strand): 5'-ACTATATTGCTCAGATTTCCAACGGCCAGCAACTCATGAGCCAGCCACAGCTACATAGGC[G>T]CTCTAACTCTTGCAGCAGCATTTCTGTAGCTTCCTGTATTTCGGAATGGGAGCAGAAAAT-3'
Protein context (NP_001354734.1, residues 717-737): QLMSQPQLHR[Arg727Leu]SNSCSSISVA